The following is an entry in ClinVar:

ClinVar aggregate classification (germline): Conflicting classifications of pathogenicity. Review status: criteria provided, conflicting classifications (1 of 4 stars). 4 submissions from 4 submitters: Uncertain significance (2); Likely benign (2). Last evaluated 2025-05-27.

Conditions:
Retinitis pigmentosa (RP). Identifiers: Orphanet 791, MedGen C0035334, MeSH D012174, MONDO:0019200, OMIM 268000. Inheritance: Autosomal dominant, autosomal recessive and X linked inheritance.
SNRNP200-related disorder. Also called: SNRNP200-related condition.

Allele frequency attached by ClinVar (database versions not stated): ExAC 0.00003; gnomAD exomes 0.00003 and 0.00006; gnomAD 0.00005 and 0.00006; ESP Exome Variant Server 0.00008; TOPMed 0.00008.
gnomAD v4.1: 44 of 1,614,206 alleles (0.0027%); highest among the groups gnomAD compares: African/African-American, 0.012%; no homozygotes.

Submissions (4):

PreventionGenetics, part of Exact Sciences
Classification: Likely benign for SNRNP200-related condition. Last evaluated: 2025-05-27. Review status: criteria provided, single submitter. Criteria: ACMG Guidelines, 2015. Collection method: clinical testing. Allele origin: germline.
Comment: This variant is classified as likely benign based on ACMG/AMP sequence variant interpretation guidelines (Richards et al. 2015 PMID: 25741868, with internal and published modifications).

Labcorp Genetics (formerly Invitae), Labcorp
Classification: Uncertain significance. Last evaluated: 2024-02-24. Review status: criteria provided, single submitter. Criteria: Invitae Variant Classification Sherloc (09022015). Collection method: clinical testing. Allele origin: germline.
Comment: This sequence change affects codon 495 of the SNRNP200 mRNA. It is a 'silent' change, meaning that it does not change the encoded amino acid sequence of the SNRNP200 protein. This variant is present in population databases (rs142142479, gnomAD 0.02%). This variant has been observed in individual(s) with inherited retinal dystrophy (Invitae). ClinVar contains an entry for this variant (Variation ID: 836301). Algorithms developed to predict the effect of sequence changes on RNA splicing suggest that this variant is not likely to affect RNA splicing. In summary, the available evidence is currently insufficient to determine the role of this variant in disease. Therefore, it has been classified as a Variant of Uncertain Significance.

Blueprint Genetics
Classification: Likely benign. Last evaluated: 2024-02-14. Review status: criteria provided, single submitter. Criteria: ACMG Guidelines, 2015. Collection method: clinical testing. Allele origin: germline.

Illumina Laboratory Services, Illumina
Classification: Uncertain significance for Retinitis pigmentosa. Last evaluated: 2018-01-13. Review status: criteria provided, single submitter. Criteria: ICSL Variant Classification Criteria 13 December 2019. Collection method: clinical testing. Allele origin: germline.

NM_014014.5(SNRNP200):c.1485G>A (p.Thr495=)

Gene: SNRNP200 (small nuclear ribonucleoprotein U5 subunit 200; minus strand). Cytogenetic location: 2q11.2.
Variant type: single nucleotide variant.
Coding change: c.1485G>A on transcript NM_014014.5 (MANE Select); coding-DNA position 1485, G replaced by A.
Protein change: p.Thr495=; no amino-acid change (threonine 495 retained).
Molecular consequence: synonymous variant.
Genome position (GRCh38, 1-based): chr2:96,296,963, C>T on the plus strand (G>A on the coding strand, the complement: SNRNP200 is on the minus strand). VCF-style: chr2-96296963-C-T. GRCh37 (hg19) VCF-style: chr2-96962701-C-T.
Identifiers: ClinVar variation 836301 (VCV000836301.13), dbSNP rs142142479, ClinGen allele CA1778928.